The following is an entry in ClinVar:

NM_000038.6(APC):c.4217A>T (p.Gln1406Leu)

Gene: APC (APC regulator of Wnt signaling pathway; plus strand). Cytogenetic location: 5q22.2.
Variant type: single nucleotide variant.
Coding change: c.4217A>T on transcript NM_000038.6 (MANE Select); coding-DNA position 4217, A replaced by T.
Protein change: p.Gln1406Leu; replaces glutamine 1406 with leucine.
Molecular consequence: missense variant.
Genome position (GRCh38, 1-based): chr5:112,839,811, A>T. VCF-style: chr5-112839811-A-T. GRCh37 (hg19) VCF-style: chr5-112175508-A-T.
Other names: c.4217A>T (NM_000038.5); c.4217A>T, p.Gln1406Leu (NM_001127510.3, NM_001354895.2); c.4163A>T, p.Gln1388Leu (NM_001127511.3); c.4271A>T, p.Gln1424Leu (NM_001354896.2); c.4247A>T, p.Gln1416Leu (NM_001354897.2); c.4142A>T, p.Gln1381Leu (NM_001354898.2); c.4133A>T, p.Gln1378Leu (NM_001354899.2); c.4094A>T, p.Gln1365Leu (NM_001354900.2); and 6 more; short protein forms Q1123L, Q1246L, Q1280L, Q1305L, Q1315L, Q1347L, Q1365L, Q1378L.
Identifiers: ClinVar variation 1017696 (VCV001017696.9), dbSNP rs372241082, ClinGen allele CA16030568.

ClinVar aggregate classification (germline): Uncertain significance. Review status: criteria provided, multiple submitters, no conflicts (2 of 4 stars). 2 submissions from 2 submitters: Uncertain significance (2). Last evaluated 2025-09-07.

Conditions:
Hereditary cancer-predisposing syndrome. Also called: Tumor predisposition; Neoplastic Syndromes, Hereditary; Hereditary neoplastic syndrome; Hereditary Cancer Syndrome. Identifiers: Orphanet 140162, MedGen C0027672, MeSH D009386, MONDO:0015356.
Familial adenomatous polyposis 1 (FAP1). Also called: POLYPOSIS, ADENOMATOUS INTESTINAL; FAMILIAL ADENOMATOUS POLYPOSIS 1, ATTENUATED. Identifiers: MedGen C2713442, MONDO:0021056, OMIM 175100. Disease mechanism: loss of function.

Submissions (2):

Ambry Genetics
Classification: Uncertain significance for Hereditary cancer-predisposing syndrome. Last evaluated: 2025-09-07. Review status: criteria provided, single submitter. Criteria: Ambry Variant Classification Scheme 2023. Collection method: clinical testing. Allele origin: germline.
Comment: The p.Q1406L variant (also known as c.4217A>T), located in coding exon 15 of the APC gene, results from an A to T substitution at nucleotide position 4217. The glutamine at codon 1406 is replaced by leucine, an amino acid with dissimilar properties. This amino acid position is conserved. In addition, in silico predictors for this gene do not accurately predict pathogenicity. Based on the available evidence, the clinical significance of this variant remains unclear.

Labcorp Genetics (formerly Invitae), Labcorp
Classification: Uncertain significance for Familial adenomatous polyposis 1. Last evaluated: 2022-09-07. Review status: criteria provided, single submitter. Criteria: Invitae Variant Classification Sherloc (09022015). Collection method: clinical testing. Allele origin: germline.
Comment: This variant is not present in population databases (gnomAD no frequency). In summary, the available evidence is currently insufficient to determine the role of this variant in disease. Therefore, it has been classified as a Variant of Uncertain Significance. Algorithms developed to predict the effect of missense changes on protein structure and function are either unavailable or do not agree on the potential impact of this missense change (SIFT: "Deleterious"; PolyPhen-2: "Benign"; Align-GVGD: "Class C0"). ClinVar contains an entry for this variant (Variation ID: 1017696). This variant has not been reported in the literature in individuals affected with APC-related conditions. This sequence change replaces glutamine, which is neutral and polar, with leucine, which is neutral and non-polar, at codon 1406 of the APC protein (p.Gln1406Leu).